The following is an entry in ClinVar:

ClinVar aggregate classification (germline): Uncertain significance. Review status: criteria provided, multiple submitters, no conflicts (2 of 4 stars). 3 submissions from 3 submitters: Uncertain significance (3). Last evaluated 2024-12-24.

Conditions:
Inborn genetic diseases. Identifiers: MedGen C0950123, MeSH D030342.

Allele frequency attached by ClinVar (database versions not stated): gnomAD 0.00001; gnomAD exomes 0.00001 and 0.00003; ExAC 0.00002; TOPMed 0.00003.
gnomAD v4.1: 13 of 1,614,068 alleles (0.00081%); highest among the groups gnomAD compares: Admixed American, 0.015%; no homozygotes.

Submissions (3):

Ambry Genetics
Classification: Uncertain significance for Inborn genetic diseases. Last evaluated: 2024-12-24. Review status: criteria provided, single submitter. Criteria: Ambry Variant Classification Scheme 2023. Collection method: clinical testing. Allele origin: germline.

Labcorp Genetics (formerly Invitae), Labcorp
Classification: Uncertain significance. Last evaluated: 2022-10-22. Review status: criteria provided, single submitter. Criteria: Invitae Variant Classification Sherloc (09022015). Collection method: clinical testing. Allele origin: germline.
Comment: This sequence change replaces proline, which is neutral and non-polar, with serine, which is neutral and polar, at codon 260 of the CD40 protein (p.Pro260Ser). This variant is present in population databases (rs774515822, gnomAD 0.02%). This variant has not been reported in the literature in individuals affected with CD40-related conditions. ClinVar contains an entry for this variant (Variation ID: 1518597). Algorithms developed to predict the effect of missense changes on protein structure and function are either unavailable or do not agree on the potential impact of this missense change (SIFT: "Tolerated"; PolyPhen-2: "Probably Damaging"; Align-GVGD: "Class C0"). In summary, the available evidence is currently insufficient to determine the role of this variant in disease. Therefore, it has been classified as a Variant of Uncertain Significance.

Breakthrough Genomics
Classification: Uncertain significance. Review status: criteria provided, single submitter. Criteria: ACMG Guidelines, 2015. Collection method: not provided. Allele origin: germline. Inheritance: Autosomal dominant inheritance. Affected: yes.

NM_001250.6(CD40):c.778C>T (p.Pro260Ser)

Gene: CD40 (CD40 molecule; plus strand). Cytogenetic location: 20q13.12.
Variant type: single nucleotide variant.
Coding change: c.778C>T on transcript NM_001250.6 (MANE Select); coding-DNA position 778, C replaced by T.
Protein change: p.Pro260Ser; replaces proline 260 with serine.
Molecular consequence: missense variant. On other transcripts: 3 prime UTR variant (3), non-coding transcript variant (2).
Genome position (GRCh38, 1-based): chr20:46,128,984, C>T. VCF-style: chr20-46128984-C-T. GRCh37 (hg19) VCF-style: chr20-44757623-C-T.
Other names: c.*104C>T (NM_001302753.2, NM_001362758.2, NM_152854.4); c.790C>T, p.Pro264Ser (NM_001322421.2); c.622C>T, p.Pro208Ser (NM_001322422.2); c.778C>T (NM_001250.4); short protein forms P208S, P260S, P264S.
Identifiers: ClinVar variation 1518597 (VCV001518597.5), dbSNP rs774515822, ClinGen allele CA9888672.